The following is an entry in ClinVar:

NM_018557.3(LRP1B):c.13659+8A>G

Gene: LRP1B (LDL receptor related protein 1B; minus strand). Cytogenetic location: 2q22.1.
Variant type: single nucleotide variant.
Coding change: c.13659+8A>G on transcript NM_018557.3 (MANE Select); 8 bases into the intron after coding-DNA position 13659, A replaced by G.
Molecular consequence: intron variant.
Genome position (GRCh38, 1-based): chr2:140,234,778, T>C on the plus strand (A>G on the coding strand, the complement: LRP1B is on the minus strand). VCF-style: chr2-140234778-T-C. GRCh37 (hg19) VCF-style: chr2-140992347-T-C.
Identifiers: ClinVar variation 3056106 (VCV003056106.2), dbSNP rs78797806, ClinGen allele CA1892443.

ClinVar aggregate classification (germline): Benign (0 of 4 stars; one submission).

Conditions:
LRP1B-related disorder. Also called: LRP1B-related condition.

Allele frequency attached by ClinVar (database versions not stated): 1000 Genomes Project 30x 0.03607; 1000 Genomes Project 0.03774; ESP Exome Variant Server 0.04706; gnomAD 0.04801; TOPMed 0.04976; ExAC 0.05685; gnomAD exomes 0.06196.
gnomAD v4.1: 46,268 of 772,822 alleles (6%); highest among the groups gnomAD compares: Middle Eastern, 19%; 1,984 homozygotes.

Submission:

PreventionGenetics, part of Exact Sciences
Classification: Benign for LRP1B-related condition. Last evaluated: 2019-03-01. Review status: no assertion criteria provided. Collection method: clinical testing. Allele origin: germline.
Comment: This variant is classified as benign based on ACMG/AMP sequence variant interpretation guidelines (Richards et al. 2015 PMID: 25741868, with internal and published modifications).